The following is an entry in ClinVar:

ClinVar aggregate classification (germline): Uncertain significance. Review status: criteria provided, multiple submitters, no conflicts (2 of 4 stars). 2 submissions from 2 submitters: Uncertain significance (2). Last evaluated 2023-11-29.

Conditions:
Ataxia-telangiectasia syndrome (AT). Also called: LOUIS-BAR SYNDROME; Cerebello-oculocutaneous telangiectasia; Immunodeficiency with ataxia telangiectasia; Ataxia-telangiectasia, complementation group D; AT, COMPLEMENTATION GROUP C; ATAXIA-TELANGIECTASIA, COMPLEMENTATION GROUP A. Identifiers: Orphanet 100, MedGen C0004135, MONDO:0008840, OMIM 208900.
Hereditary cancer-predisposing syndrome. Also called: Tumor predisposition; Neoplastic Syndromes, Hereditary; Hereditary Cancer Syndrome; Hereditary neoplastic syndrome. Identifiers: Orphanet 140162, MedGen C0027672, MeSH D009386, MONDO:0015356.

Submissions (2):

Ambry Genetics
Classification: Uncertain significance for Hereditary cancer-predisposing syndrome. Last evaluated: 2023-11-29. Review status: criteria provided, single submitter. Criteria: Ambry Variant Classification Scheme 2023. Collection method: clinical testing. Allele origin: germline.
Comment: The p.F523L variant (also known as c.1569C>G), located in coding exon 9 of the ATM gene, results from a C to G substitution at nucleotide position 1569. The phenylalanine at codon 523 is replaced by leucine, an amino acid with highly similar properties. This amino acid position is not well conserved in available vertebrate species. In addition, this alteration is predicted to be tolerated by in silico analysis. Since supporting evidence is limited at this time, the clinical significance of this alteration remains unclear.

Labcorp Genetics (formerly Invitae), Labcorp
Classification: Uncertain significance for Ataxia-telangiectasia syndrome. Last evaluated: 2023-04-12. Review status: criteria provided, single submitter. Criteria: Invitae Variant Classification Sherloc (09022015). Collection method: clinical testing. Allele origin: germline.
Comment: In summary, the available evidence is currently insufficient to determine the role of this variant in disease. Therefore, it has been classified as a Variant of Uncertain Significance. Algorithms developed to predict the effect of missense changes on protein structure and function output the following: SIFT: "Not Available"; PolyPhen-2: "Benign"; Align-GVGD: "Not Available". The leucine amino acid residue is found in multiple mammalian species, which suggests that this missense change does not adversely affect protein function. ClinVar contains an entry for this variant (Variation ID: 1775436). This variant has not been reported in the literature in individuals affected with ATM-related conditions. This variant is not present in population databases (gnomAD no frequency). This sequence change replaces phenylalanine, which is neutral and non-polar, with leucine, which is neutral and non-polar, at codon 523 of the ATM protein (p.Phe523Leu).

NM_000051.4(ATM):c.1569C>G (p.Phe523Leu)

Gene: ATM (ATM serine/threonine kinase; plus strand). Cytogenetic location: 11q22.3.
Variant type: single nucleotide variant.
Coding change: c.1569C>G on transcript NM_000051.4 (MANE Select); coding-DNA position 1569, C replaced by G.
Protein change: p.Phe523Leu; replaces phenylalanine 523 with leucine.
Molecular consequence: missense variant.
Genome position (GRCh38, 1-based): chr11:108,251,034, C>G. VCF-style: chr11-108251034-C-G. GRCh37 (hg19) VCF-style: chr11-108121761-C-G.
Other names: c.1569C>G, p.Phe523Leu (NM_001351834.2); short protein forms F523L.
Identifiers: ClinVar variation 1775436 (VCV001775436.5), dbSNP rs1565383743, ClinGen allele CA382534377.